The following is an entry in ClinVar:

NM_000051.4(ATM):c.7930G>A (p.Gly2644Ser)

Genes: ATM (ATM serine/threonine kinase; plus strand), C11orf65 (chromosome 11 open reading frame 65; minus strand). Cytogenetic location: 11q22.3.
Variant type: single nucleotide variant.
Coding change: c.7930G>A on transcript NM_000051.4 (MANE Select); coding-DNA position 7930, G replaced by A.
Protein change: p.Gly2644Ser; replaces glycine 2644 with serine.
Molecular consequence: missense variant. On other transcripts: intron variant (2).
Genome position (GRCh38, 1-based): chr11:108,333,888, G>A. VCF-style: chr11-108333888-G-A. GRCh37 (hg19) VCF-style: chr11-108204615-G-A.
Other names: c.*38+1332C>T (NM_001351110.2); c.7930G>A, p.Gly2644Ser (NM_001351834.2); c.641-24817C>T (NM_001330368.2); short protein forms G2644S.
Identifiers: ClinVar variation 234050 (VCV000234050.18), dbSNP rs587781897, ClinGen allele CA10579276.

ClinVar aggregate classification (germline): Uncertain significance. Review status: criteria provided, multiple submitters, no conflicts (2 of 4 stars). 4 submissions from 4 submitters: Uncertain significance (4). Last evaluated 2025-11-17.

Conditions:
Hereditary cancer-predisposing syndrome. Also called: Neoplastic Syndromes, Hereditary; Hereditary neoplastic syndrome; Tumor predisposition; Hereditary Cancer Syndrome. Identifiers: Orphanet 140162, MedGen C0027672, MeSH D009386, MONDO:0015356.
Familial cancer of breast. Also called: hereditary breast carcinoma; Hereditary breast cancer; BREAST CANCER, FAMILIAL. Identifiers: Orphanet 227535, MedGen C0346153, MONDO:0016419, OMIM 114480. Disease mechanism: loss of function.
Ataxia-telangiectasia syndrome (AT). Also called: Ataxia telangiectasia (A-T); Cerebello-oculocutaneous telangiectasia; Immunodeficiency with ataxia telangiectasia; LOUIS-BAR SYNDROME; AT, COMPLEMENTATION GROUP C; ATAXIA-TELANGIECTASIA, FRESNO VARIANT. Identifiers: Orphanet 100, MedGen C0004135, MONDO:0008840, OMIM 208900.

Allele frequency attached by ClinVar (database versions not stated): gnomAD exomes 0.00001 and below 0.00001.
gnomAD v4.1: 4 of 1,601,184 alleles (0.00025%); highest among the groups gnomAD compares: Admixed American, 0.0033%; no homozygotes.

Submissions (4):

Labcorp Genetics (formerly Invitae), Labcorp
Classification: Uncertain significance for Ataxia-telangiectasia syndrome. Last evaluated: 2025-11-17. Review status: criteria provided, single submitter. Criteria: Invitae Variant Classification Sherloc (09022015). Collection method: clinical testing. Allele origin: germline.
Comment: This sequence change replaces glycine, which is neutral and non-polar, with serine, which is neutral and polar, at codon 2644 of the ATM protein (p.Gly2644Ser). This variant is present in population databases (no rsID available, gnomAD 0.003%). This variant has not been reported in the literature in individuals affected with ATM-related conditions. ClinVar contains an entry for this variant (Variation ID: 234050). An algorithm developed to predict the effect of missense changes on protein structure and function (PolyPhen-2) suggests that this variant is likely to be tolerated. In summary, the available evidence is currently insufficient to determine the role of this variant in disease. Therefore, it has been classified as a Variant of Uncertain Significance.

Ambry Genetics
Classification: Uncertain significance for Hereditary cancer-predisposing syndrome. Last evaluated: 2025-01-19. Review status: criteria provided, single submitter. Criteria: Ambry Variant Classification Scheme 2023. Collection method: clinical testing. Allele origin: germline.
Comment: The p.G2644S variant (also known as c.7930G>A), located in coding exon 53 of the ATM gene, results from a G to A substitution at nucleotide position 7930. The glycine at codon 2644 is replaced by serine, an amino acid with similar properties. This alteration was observed in 0/7051 unselected female breast cancer patients, 0/11241 female controls, 0/53 unselected male breast cancer patients and 1/12490 male controls of Japanese ancestry (Momozawa Y et al. Nat Commun, 2018 10;9:4083). This amino acid position is well conserved in available vertebrate species. In addition, this alteration is predicted to be tolerated by in silico analysis. Based on the available evidence, the clinical significance of this variant remains unclear.

Color Diagnostics, LLC DBA Color Health
Classification: Uncertain significance for Hereditary cancer-predisposing syndrome. Last evaluated: 2024-01-08. Review status: criteria provided, single submitter. Criteria: ACMG Guidelines, 2015. Collection method: clinical testing. Allele origin: germline.
Comment: This missense variant replaces glycine with serine at codon 2644 of the ATM protein. Computational prediction suggests that this variant may not impact protein structure and function. To our knowledge, functional studies have not been reported for this variant. This variant has not been reported in individuals affected with hereditary cancer in the literature. This variant has been identified in 1/251236 chromosomes in the general population by the Genome Aggregation Database (gnomAD). The available evidence is insufficient to determine the role of this variant in disease conclusively. Therefore, this variant is classified as a Variant of Uncertain Significance.

Baylor Genetics
Classification: Uncertain significance for Familial cancer of breast. Last evaluated: 2023-09-23. Review status: criteria provided, single submitter. Criteria: ACMG Guidelines, 2015. Collection method: clinical testing. Allele origin: unknown.

Literature cited by the submitters: PubMed 30287823 (cited by Ambry Genetics).